The following is an entry in ClinVar:

NM_004615.4(TSPAN7):c.248G>A (p.Gly83Asp)

Gene: TSPAN7 (tetraspanin 7; plus strand). Cytogenetic location: Xp11.4.
Variant type: single nucleotide variant.
Coding change: c.248G>A on transcript NM_004615.4 (MANE Select); coding-DNA position 248, G replaced by A.
Protein change: p.Gly83Asp; replaces glycine 83 with aspartic acid.
Molecular consequence: missense variant.
Genome position (GRCh38, 1-based): chrX:38,666,287, G>A. VCF-style: chrX-38666287-G-A. GRCh37 (hg19) VCF-style: chrX-38525541-G-A.
Other names: short protein forms G83D.
Identifiers: ClinVar variation 5039931 (VCV005039931.1).

ClinVar aggregate classification (germline): Uncertain significance (1 of 4 stars; one submission).

gnomAD v4.1: 1 of 1,209,994 alleles (0.000083%); highest among the groups gnomAD compares: Non-Finnish European, 0.00011%; no homozygotes.

Submission:

CeGaT Center for Human Genetics Tuebingen
Classification: Uncertain significance. Last evaluated: 2026-08-01. Review status: criteria provided, single submitter. Criteria: CeGaT Center For Human Genetics Tuebingen Variant Classification Criteria Version 2. Collection method: clinical testing. Allele origin: germline. Affected: yes. Observed: 1 variant allele.
Comment: TSPAN7: PM2, PP2, PP3